The following is an entry in ClinVar:

NM_000540.3(RYR1):c.12356A>T (p.Asn4119Ile)

Gene: RYR1 (ryanodine receptor 1; plus strand). Cytogenetic location: 19q13.2.
Variant type: single nucleotide variant.
Coding change: c.12356A>T on transcript NM_000540.3 (MANE Select); coding-DNA position 12356, A replaced by T.
Protein change: p.Asn4119Ile; replaces asparagine 4119 with isoleucine.
Molecular consequence: missense variant.
Genome position (GRCh38, 1-based): chr19:38,561,186, A>T. VCF-style: chr19-38561186-A-T. GRCh37 (hg19) VCF-style: chr19-39051826-A-T.
Other names: c.12341A>T, p.Asn4114Ile (NM_001042723.2); short protein forms N4114I, N4119I.
Identifiers: ClinVar variation 3071940 (VCV003071940.3), dbSNP rs369637169, ClinGen allele CA058761.

ClinVar aggregate classification (germline): Uncertain significance. Review status: criteria provided, multiple submitters, no conflicts (2 of 4 stars). 2 submissions from 2 submitters: Uncertain significance (2). Last evaluated 2026-03-02.

Conditions:
Malignant hyperthermia, susceptibility to, 1 (MHS1). Also called: Anesthesia related hyperthermia; Malignant hyperpyrexia; Fulminating hyperpyrexia; Pharmacogenic myopathy; RYR1-Related Malignant Hyperthermia Susceptibility; Malignant hyperthermia suceptibility 1. Identifiers: Orphanet 423, MedGen C2930980, MONDO:0007783, OMIM 145600.

Allele frequency attached by ClinVar (database versions not stated): gnomAD 0.00001; ESP Exome Variant Server 0.00008; TOPMed below 0.00001; ExAC 0.00001.
gnomAD v4.1: 1 of 1,614,074 alleles (0.000062%); highest among the groups gnomAD compares: Non-Finnish European, 0.000085%; no homozygotes.

Submissions (2):

Dasa
Classification: Uncertain significance. Last evaluated: 2026-03-02. Review status: criteria provided, single submitter. Criteria: DASA Assertion Criteria. Collection method: clinical testing. Allele origin: germline.
Comment: NM_000540.3(RYR1):c.12356A>T (p.Asn4119Ile) is a missense variant that results in the substitution of asparagine with isoleucine. This variant is rare in population databases. Computational prediction algorithms are consistent with a deleterious effect. The currently available literature and clinical evidence are not sufficient to establish a definitive association between this variant and the reported condition. Therefore, this variant is classified as a variant of uncertain significance.

All of Us Research Program, National Institutes of Health
Classification: Uncertain significance for Malignant hyperthermia, susceptibility to, 1. Last evaluated: 2023-06-26. Review status: criteria provided, single submitter. Criteria: ACMG Guidelines, 2015. Collection method: clinical testing. Allele origin: germline. Inheritance: Autosomal dominant inheritance. Observed: 1 variant allele, 1 heterozygote.
Comment: This missense variant replaces asparagine with isoleucine at codon 4119 of the RYR1 protein. Computational prediction suggests that this variant may have deleterious impact on protein structure and function (internally defined REVEL score threshold >= 0.7, PMID: 27666373). To our knowledge, functional studies have not been reported for this variant. This variant has not been reported in individuals affected with RYR1-related disorders in the literature. This variant has been identified in 1/249992 chromosomes in the general population by the Genome Aggregation Database (gnomAD). The available evidence is insufficient to determine the role of this variant in disease conclusively. Therefore, this variant is classified as a Variant of Uncertain Significance.

This study involves interpretation of variants in research participants for the purpose of population health screening. Participant phenotype was not available at the time of variant classification. Additional details can be found in publication PMID: 35346344, PMCID: PMC8962531